The following is an entry in ClinVar:

NM_001122955.4(BSCL2):c.455A>G (p.Asn152Ser)

Genes: BSCL2 (BSCL2 lipid droplet biogenesis associated, seipin; minus strand), HNRNPUL2-BSCL2 (HNRNPUL2-BSCL2 readthrough (NMD candidate); minus strand). Cytogenetic location: 11q12.3.
Variant type: single nucleotide variant.
Coding change: c.455A>G on transcript NM_001122955.4 (MANE Select); coding-DNA position 455, A replaced by G.
Protein change: p.Asn152Ser; replaces asparagine 152 with serine.
Molecular consequence: missense variant. On other transcripts: non-coding transcript variant (1).
Genome position (GRCh38, 1-based): chr11:62,702,499, T>C on the plus strand (A>G on the coding strand, the complement: BSCL2 is on the minus strand). VCF-style: chr11-62702499-T-C. GRCh37 (hg19) VCF-style: chr11-62469971-T-C.
Other names: NM_001122955.3(BSCL2):c.455A>G(p.Asn152Ser); NM_001130702.2(BSCL2):c.263A>G(p.Asn88Ser); NM_032667.6(BSCL2):c.263A>G(p.Asn88Ser); c.455A>G (LRG_235t1); c.263A>G, p.Asn88Ser (NM_001130702.2, NM_032667.6); c.455A>G, p.Asn152Ser (NM_001386027.1, NM_001386028.1); short protein forms N88S, N152S.
Identifiers: ClinVar variation 4543 (VCV000004543.121), dbSNP rs137852972, ClinGen allele CA116909.
Genomic context (GRCh38, chr11:62,702,499, plus strand): 5'-TGAAACCTCTCTCTAGTTCCCATACTCACCCGATCACGTCCACCCTTAGTCAGCGAGACA[T>C]TGGCAACAGGGAAGGAGCAGAGTGAGGTGGTGGAGGAATCACAGTCGGTCCTAAATGAGA-3'
Protein context (NP_001116427.1, residues 142-162): TTSLCSFPVA[Asn152Ser]VSLTKGGRDR

ClinVar aggregate classification (germline): Pathogenic. Review status: criteria provided, multiple submitters, no conflicts (2 of 4 stars). 28 submissions from 27 submitters: Pathogenic (21). 7 of the submissions do not count toward it. Last evaluated 2026-09-18.

Conditions:
BSCL2-Related Motor Neuron Disorders / Seipinopathy. Identifiers: MedGen CN381145.
Neuronopathy, distal hereditary motor, type 5C. Also called: NEURONOPATHY, DISTAL HEREDITARY MOTOR, HARDING TYPE VC; NEUROPATHY, DISTAL HEREDITARY MOTOR, HARDING TYPE VC; SPINAL MUSCULAR ATROPHY, DISTAL, HARDING TYPE VC; DHMN VC; NEURONOPATHY, DISTAL HEREDITARY MOTOR, AUTOSOMAL DOMINANT 13. Identifiers: MedGen C5436838, MONDO:0030860, OMIM 619112.
BSCL2-related disorder. Also called: BSCL2-related condition; BSCL2-Related Disorders.
Berardinelli-Seip congenital lipodystrophy. Identifiers: Orphanet 528, MedGen CN262437, MONDO:0018883.
Inborn genetic diseases. Identifiers: MedGen C0950123, MeSH D030342.
Charcot-Marie-Tooth disease type 2. Also called: Charcot-Marie-Tooth type 2. Identifiers: Orphanet 64746, MedGen C0270914, MONDO:0018993.
Hereditary spastic paraplegia. Also called: Familial spastic paraparesis. Identifiers: Orphanet 685, MedGen C0037773, MONDO:0019064. Disease mechanism: loss of function.
Neuronopathy, distal hereditary motor, type 5A (HMND5). Also called: DHMN VA; Distal Spinal Muscular Atrophy V (dSMA-V); NEURONOPATHY, DISTAL HEREDITARY MOTOR, AUTOSOMAL DOMINANT 5; Distal Spinal Muscular Atrophy V. Identifiers: Orphanet 139536, MedGen CN031873, MONDO:0015353, OMIM 600794.
Hereditary spastic paraplegia 17. Also called: SPASTIC PARAPLEGIA WITH AMYOTROPHY OF HANDS AND FEET; Silver spastic paraplegia syndrome; Spastic Paraplegia 17; Autosomal dominant spastic paraplegia type 17; Silver Syndrome. Identifiers: Orphanet 100998, MedGen C2931276, MONDO:0010043, OMIM 270685.
Peripheral neuropathy. Also called: Neuropathy. Identifiers: MedGen C0031117, MONDO:0005244, HP:0009830.

Allele frequency attached by ClinVar (database versions not stated): TOPMed below 0.00001; ExAC 0.00001; gnomAD exomes 0.00002 and 0.00001.
gnomAD v4.1: 14 of 1,613,074 alleles (0.00087%); highest among the groups gnomAD compares: East Asian, 0.0022%; no homozygotes.

Submissions 1 to 8 of 28:

GeneDx
Classification: Pathogenic. Last evaluated: 2026-09-18. Review status: criteria provided, single submitter. Criteria: GeneDx Variant Classification Process June 2021. Collection method: clinical testing. Allele origin: germline.
Comment: Published functional studies demonstrate protein over-expression and impairment of synaptic neurotransmission (PMID: 24345054, 14981520); In silico analysis supports that this missense variant has a deleterious effect on protein structure/function; This variant is associated with the following publications: (PMID: 17387721, 21750110, 22045697, 21957196, 18585921, 14981520, 18612770, 35933239, 16427281, 31589614, 31211173, 29269637, 32320108, 34983064, 36604382, 37273706, 19396477, 27738760, 20598714, 34085946, 25454168, 25219579, 27549087, 36539320, 24345054, 15732094, 40320863, 38374194, 38127101, 39843441, 40571342, 23553728)

PreventionGenetics, part of Exact Sciences
Classification: Pathogenic for BSCL2-related condition. Last evaluated: 2026-08-26. Review status: criteria provided, single submitter. Criteria: ACMG Guidelines, 2015. Collection method: clinical testing. Allele origin: germline.
Comment: The BSCL2 c.455A>G variant is predicted to result in the amino acid substitution p.Asn152Ser. This variant has previously been reported in many unrelated families to be causative for a spectrum of motor neuron disorders including Silver syndrome, distal hereditary motor neuropathy, and spastic paraplegia (described as c.263A>G p.Asn88Ser in Windpassinger et al. 2004. PubMed ID: 14981520; Auer-Grumbach et al. 2005. PubMed ID: 15732094; Ollivier et al. 2015. PubMed ID: 25454168). In a study of 14 Austrian families with this variant, intra-familial clinical heterogeneity was common, and penetrance was incomplete with some individuals exhibiting only minor clinical signs or some being asymptomatic at the time of clinical evaluation (Auer-Grumbach et al. 2005. PubMed ID: 15732094). This variant is reported in 0.0099% of alleles in individuals of Ashkenazi Jewish descent in gnomAD. This variant is interpreted as pathogenic.

Labcorp Genetics (formerly Invitae), Labcorp
Classification: Pathogenic for Charcot-Marie-Tooth disease type 2. Last evaluated: 2025-12-20. Review status: criteria provided, single submitter. Criteria: Invitae Variant Classification Sherloc (09022015). Collection method: clinical testing. Allele origin: germline.
Comment: This sequence change replaces asparagine, which is neutral and polar, with serine, which is neutral and polar, at codon 88 of the BSCL2 protein (p.Asn88Ser). This variant is present in population databases (rs137852972, gnomAD 0.01%). This missense change has been observed in individuals with autosomal dominant BSCL2-related conditions (PMID: 14981520, 15732094, 16427281, 20598714, 23553728, 25219579, 25454168). It has also been observed to segregate with disease in related individuals. ClinVar contains an entry for this variant (Variation ID: 4543). Invitae Evidence Modeling of protein sequence and biophysical properties (such as structural, functional, and spatial information, amino acid conservation, physicochemical variation, residue mobility, and thermodynamic stability) indicates that this missense variant is expected to disrupt BSCL2 protein function with a positive predictive value of 80%. Experimental studies have shown that this missense change affects BSCL2 function (PMID: 14981520, 17387721, 18585921, 21957196, 22045697, 24345054). For these reasons, this variant has been classified as Pathogenic.

Athena Diagnostics
Classification: Pathogenic. Last evaluated: 2025-10-07. Review status: criteria provided, single submitter. Criteria: Athena Diagnostics Criteria. Collection method: clinical testing. Allele origin: unknown.
Comment: The frequency of this variant in the general population is consistent with pathogenicity. This variant has been identified in multiple unrelated individuals with autosomal dominant BSCL2-related neurologic disorders and segregates with disease in multiple families. In some published literature, this variant is referred to as c.263A>G (p.Asn88Ser). Assessment of experimental evidence suggests this variant results in abnormal protein function. (PMID: 14981520, 17387721, 18585921, 21750110, 36126862)

CeGaT Center for Human Genetics Tuebingen
Classification: Pathogenic. Last evaluated: 2025-04-01. Review status: criteria provided, single submitter. Criteria: CeGaT Center For Human Genetics Tuebingen Variant Classification Criteria Version 2. Collection method: clinical testing. Allele origin: germline. Affected: yes. Observed: 7 variant alleles.
Comment: BSCL2: PP1:Strong, PS4, PM2, PM5:Supporting, PS3:Supporting

Division of Genetic & Genomic Pathology, Hong Kong Children's Hospital
Classification: Pathogenic for BSCL2-Related Motor Neuron Disorders / Seipinopathy. Last evaluated: 2024-12-20. Review status: criteria provided, single submitter. Criteria: ACMG Guidelines, 2015. Collection method: clinical testing. Allele origin: germline. Affected: yes.
Comment: BSCL2 c.263A>G p.(Asn88Ser) is a missense variant located in exon 3. This variant is reported at a low frequency in population databases (gnomAD v4.1.0: 14 in 1,613,074 alleles). The variant is one of the pathogenic variants known to cause BSCL2-related neurologic disorders (PMID: 20301484; ClinVar accession: VCV000004543.97). The variant disrupts the N-glycosylation motif and resulted in improperly folded protein that accumulates in the cells and eventually lead to cell death (PMID: 17387721 and 25832430).

Blueprint Genetics
Classification: Pathogenic for BSCL2-related disorders. Last evaluated: 2024-10-09. Review status: criteria provided, single submitter. Criteria: ACMG Guidelines, 2015. Collection method: clinical testing. Allele origin: germline. Affected: yes. Observed: 5 variant alleles.

3billion
Classification: Pathogenic for Hereditary spastic paraplegia 17. Last evaluated: 2024-06-18. Review status: criteria provided, single submitter. Criteria: ACMG Guidelines, 2015. Collection method: clinical testing. Allele origin: germline. Affected: yes.
Comment: The variant is observed at an extremely low frequency in the gnomAD v4.0.0 dataset (total allele frequency: <0.001%). Predicted Consequence/Location: The majority of the known disease-causing variants of this gene are variants expected to result in premature termination of the protein. Functional studies provide strong evidence of the variant having a damaging effect on the gene or gene product (PMID: 21750110, 24345054). In silico tool predictions suggest damaging effect of the variant on gene or gene product [REVEL: 0.66 (>=0.6, sensitivity 0.68 and specificity 0.92); 3Cnet: NA (>=0.6, sensitivity 0.72 and precision 0.9)]. The same nucleotide change resulting in the same amino acid change has been previously reported as pathogenic/likely pathogenic with strong evidence (ClinVar ID: VCV000004543 /PMID: 14981520 /3billion dataset). The variant has been observed in multiple (>3) similarly affected unrelated individuals (PMID: 14981520, 15732094, 23553728, 25219579). The variant has been reported to co-segregate with the disease in at least 7 similarly affected relatives/individuals in at least two unrelated families (PMID: 14981520, 15732094, 16427281). A different missense change at the same codon (p.Asn152Thr) has been reported to be associated with BSCL2 related disorder (PMID: 32108980). Therefore, this variant is classified as Pathogenic according to the recommendation of ACMG/AMP guideline.